The following is an entry in ClinVar:

ClinVar aggregate classification (germline): Uncertain significance. Review status: criteria provided, multiple submitters, no conflicts (2 of 4 stars). 3 submissions from 3 submitters: Uncertain significance (3). Last evaluated 2026-08-21.

Conditions:
ACOX1-related disorder. Also called: ACOX1-related condition; ACOX1-related disorders.
Inborn genetic diseases. Identifiers: MedGen C0950123, MeSH D030342.
Acyl-CoA oxidase deficiency. Also called: STRAIGHT-CHAIN ACYL-CoA OXIDASE DEFICIENCY; Pseudoneonatal adrenoleukodystrophy; Peroxisomal acyl-CoA oxidase deficiency. Identifiers: Orphanet 2971, MedGen C1849678, MONDO:0009919, OMIM 264470. Disease mechanism: loss of function.

Allele frequency attached by ClinVar (database versions not stated): TOPMed 0.00006; gnomAD exomes 0.00014; ESP Exome Variant Server 0.00015.
gnomAD v4.1: 204 of 1,614,020 alleles (0.013%); highest among the groups gnomAD compares: African/African-American, 0.02%; no homozygotes.

Submissions (3):

PreventionGenetics, part of Exact Sciences
Classification: Uncertain significance for ACOX1-related condition. Last evaluated: 2026-08-21. Review status: criteria provided, single submitter. Criteria: ACMG Guidelines, 2015. Collection method: clinical testing. Allele origin: germline.
Comment: The ACOX1 c.1384C>T variant is predicted to result in the amino acid substitution p.Arg462Cys. To our knowledge, this variant has not been reported in the literature. This variant is reported in 0.012% of alleles in individuals of African descent in gnomAD. At this time, the clinical significance of this variant is uncertain due to the absence of conclusive functional and genetic evidence.

Ambry Genetics
Classification: Uncertain significance for Inborn genetic diseases. Last evaluated: 2025-09-05. Review status: criteria provided, single submitter. Criteria: Ambry Variant Classification Scheme 2023. Collection method: clinical testing. Allele origin: germline.
Comment: Unlikely to be causative of Mitchell syndrome (AD) Based on insufficient or conflicting evidence, the clinical significance of this alteration remains unclear.

Labcorp Genetics (formerly Invitae), Labcorp
Classification: Uncertain significance for Acyl-CoA oxidase deficiency. Last evaluated: 2024-11-18. Review status: criteria provided, single submitter. Criteria: Invitae Variant Classification Sherloc (09022015). Collection method: clinical testing. Allele origin: germline.
Comment: This sequence change replaces arginine, which is basic and polar, with cysteine, which is neutral and slightly polar, at codon 462 of the ACOX1 protein (p.Arg462Cys). This variant is present in population databases (rs374289686, gnomAD 0.01%). This variant has not been reported in the literature in individuals affected with ACOX1-related conditions. ClinVar contains an entry for this variant (Variation ID: 2195939). An algorithm developed to predict the effect of missense changes on protein structure and function (PolyPhen-2) suggests that this variant is likely to be disruptive. In summary, the available evidence is currently insufficient to determine the role of this variant in disease. Therefore, it has been classified as a Variant of Uncertain Significance.

NM_004035.7(ACOX1):c.1384C>T (p.Arg462Cys)

Gene: ACOX1 (acyl-CoA oxidase 1; minus strand). Cytogenetic location: 17q25.1.
Variant type: single nucleotide variant.
Coding change: c.1384C>T on transcript NM_004035.7 (MANE Select); coding-DNA position 1384, C replaced by T.
Protein change: p.Arg462Cys; replaces arginine 462 with cysteine.
Molecular consequence: missense variant.
Genome position (GRCh38, 1-based): chr17:75,949,812, G>A on the plus strand (C>T on the coding strand, the complement: ACOX1 is on the minus strand). VCF-style: chr17-75949812-G-A. GRCh37 (hg19) VCF-style: chr17-73945893-G-A.
Other names: c.1384C>T (NM_004035.6); c.1270C>T, p.Arg424Cys (NM_001185039.2); c.1384C>T, p.Arg462Cys (NM_007292.6); short protein forms R424C, R462C.
Identifiers: ClinVar variation 2195939 (VCV002195939.6), dbSNP rs374289686, ClinGen allele CA8776784.
Genomic context (GRCh38, chr17:75,949,812, plus strand): 5'-TTTCGGGGCTGTTGATATCCACCATGGTTGGCCAGACTGCTACCTGCTGTGGCTGGATGC[G>A]CTGACTGGGCAGGTCGTTCAAATAGGACACCATGCCACACACCAACTTTCCTGAGTGCAC-3'
Protein context (NP_004026.2, residues 452-472): VSYLNDLPSQ[Arg462Cys]IQPQQVAVWP